The following is an entry in ClinVar:

ClinVar aggregate classification (germline): Uncertain significance. Review status: criteria provided, multiple submitters, no conflicts (2 of 4 stars). 5 submissions from 5 submitters: Uncertain significance (3). 2 of the submissions do not count toward it. Last evaluated 2022-10-18.

Conditions:
RPGRIP1L-related disorder. Also called: RPGRIP1L-related disorders; RPGRIP1L-related condition. Identifiers: MedGen CN239416.
COACH syndrome 3. Identifiers: MedGen C5436841, MONDO:0030862, OMIM 619113.
Joubert syndrome 7 (JBTS7). Identifiers: Orphanet 220497, MedGen C1969053, MONDO:0012694, OMIM 611560.
Meckel syndrome, type 5 (MKS5). Identifiers: Orphanet 564, MedGen C1969052, MONDO:0012695, OMIM 611561.
Joubert syndrome. Also called: Familial aplasia of the vermis; JOUBERT-BOLTSHAUSER SYNDROME. Identifiers: Orphanet 475, MedGen C5979921, MONDO:0018772.
Meckel-Gruber syndrome. Also called: Dysencephalia splachnocystica; DYSENCEPHALIA SPLANCHNOCYSTICA; GRUBER SYNDROME. Identifiers: Orphanet 564, MedGen C0265215, MONDO:0018921.

Allele frequency attached by ClinVar (database versions not stated): ExAC 0.00001; gnomAD 0.00001; gnomAD exomes 0.00002; TOPMed 0.00002.
gnomAD v4.1: 20 of 1,608,922 alleles (0.0012%); highest among the groups gnomAD compares: Non-Finnish European, 0.0016%; no homozygotes.

Submissions (5):

Labcorp Genetics (formerly Invitae), Labcorp
Classification: Uncertain significance for Joubert syndrome; Meckel-Gruber syndrome. Last evaluated: 2022-10-18. Review status: criteria provided, single submitter. Criteria: Invitae Variant Classification Sherloc (09022015). Collection method: clinical testing. Allele origin: germline.
Comment: This sequence change replaces glutamine, which is neutral and polar, with leucine, which is neutral and non-polar, at codon 430 of the RPGRIP1L protein (p.Gln430Leu). This variant is present in population databases (rs770032567, gnomAD 0.004%). This variant has not been reported in the literature in individuals affected with RPGRIP1L-related conditions. ClinVar contains an entry for this variant (Variation ID: 849131). Advanced modeling of protein sequence and biophysical properties (such as structural, functional, and spatial information, amino acid conservation, physicochemical variation, residue mobility, and thermodynamic stability) performed at Invitae indicates that this missense variant is not expected to disrupt RPGRIP1L protein function. In summary, the available evidence is currently insufficient to determine the role of this variant in disease. Therefore, it has been classified as a Variant of Uncertain Significance.

Fulgent Genetics
Classification: Uncertain significance for Joubert syndrome 7; Meckel syndrome, type 5; COACH syndrome 3. Last evaluated: 2022-02-17. Review status: criteria provided, single submitter. Criteria: ACMG Guidelines, 2015. Collection method: clinical testing. Allele origin: unknown.

GeneDx
Classification: Uncertain significance. Last evaluated: 2019-03-22. Review status: criteria provided, single submitter. Criteria: GeneDx Variant Classification Process June 2021. Collection method: clinical testing. Allele origin: germline. Affected: yes.
Comment: Not observed in large population cohorts (Lek et al., 2016); In silico analysis, which includes protein predictors and evolutionary conservation, supports a deleterious effect; Has not been previously published as pathogenic or benign to our knowledge

PreventionGenetics, part of Exact Sciences
Classification: Uncertain significance for RPGRIP1L-related condition. Last evaluated: 2024-05-07. Review status: no assertion criteria provided. Collection method: clinical testing. Allele origin: germline. Not counted in ClinVar's aggregate classification.
Comment: The RPGRIP1L c.1289A>T variant is predicted to result in the amino acid substitution p.Gln430Leu. To our knowledge, this variant has not been reported in the literature. This variant is reported in 0.0036% of alleles in individuals of European (Non-Finnish) descent in gnomAD. At this time, the clinical significance of this variant is uncertain due to the absence of conclusive functional and genetic evidence.

Natera, Inc.
Classification: Uncertain significance for Joubert syndrome. Last evaluated: 2021-08-19. Review status: no assertion criteria provided. Collection method: clinical testing. Allele origin: germline. Not counted in ClinVar's aggregate classification.

NM_015272.5(RPGRIP1L):c.1289A>T (p.Gln430Leu)

Gene: RPGRIP1L (RPGRIP1 like; minus strand). Cytogenetic location: 16q12.2.
Variant type: single nucleotide variant.
Coding change: c.1289A>T on transcript NM_015272.5 (MANE Select); coding-DNA position 1289, A replaced by T.
Protein change: p.Gln430Leu; replaces glutamine 430 with leucine.
Molecular consequence: missense variant.
Genome position (GRCh38, 1-based): chr16:53,658,833, T>A on the plus strand (A>T on the coding strand, the complement: RPGRIP1L is on the minus strand). VCF-style: chr16-53658833-T-A. GRCh37 (hg19) VCF-style: chr16-53692745-T-A.
Other names: c.1289A>T, p.Gln430Leu (NM_001127897.4, NM_001308334.3, NM_001330538.2); c.1289A>T (NM_015272.4); short protein forms Q430L.
Identifiers: ClinVar variation 849131 (VCV000849131.8), dbSNP rs770032567, ClinGen allele CA8057856.